The following is an entry in ClinVar:

NM_002055.5(GFAP):c.883G>A (p.Asp295Asn)

Gene: GFAP (glial fibrillary acidic protein; minus strand). Cytogenetic location: 17q21.31.
Variant type: single nucleotide variant.
Coding change: c.883G>A on transcript NM_002055.5 (MANE Select); coding-DNA position 883, G replaced by A.
Protein change: p.Asp295Asn; replaces aspartic acid 295 with asparagine.
Molecular consequence: missense variant.
Genome position (GRCh38, 1-based): chr17:44,911,695, C>T on the plus strand (G>A on the coding strand, the complement: GFAP is on the minus strand). VCF-style: chr17-44911695-C-T. GRCh37 (hg19) VCF-style: chr17-42989063-C-T.
Other names: NM_002055.5(GFAP):c.883G>A; c.883G>A, p.Asp295Asn (NM_001131019.3, NM_001242376.3, NM_001363846.2); short protein forms D295N.
Identifiers: ClinVar variation 66509 (VCV000066509.19), dbSNP rs1126642, ClinGen allele CA217227.

ClinVar aggregate classification (germline): Benign. Review status: reviewed by expert panel (3 of 4 stars). 8 submissions from 8 submitters: Benign (1). 7 of the submissions do not count toward it. Last evaluated 2026-08-18.

Conditions:
Alexander disease (ALXDRD). Also called: Alexander's disease. Identifiers: Orphanet 58, MedGen C0270726, MONDO:0008752, OMIM 203450.

Allele frequency attached by ClinVar (database versions not stated): TOPMed 0.03685; gnomAD exomes 0.04281 and 0.04542; gnomAD 0.03309 and 0.03600; ExAC 0.04529; 1000 Genomes Project 0.05731; ESP Exome Variant Server 0.03246; 1000 Genomes Project 30x 0.05918.

Submissions (8):

ClinGen Leukodystrophy and Leukoencephalopathy Variant Curation Expert Panel, ClinGen
Classification: Benign for Alexander disease. Last evaluated: 2026-08-18. Review status: reviewed by expert panel. Criteria: ClinGen Leuko ACMG Specifications GFAP V1.0. Collection method: curation. Allele origin: germline. Inheritance: Autosomal dominant inheritance.
Comment: The NM_002055.5(GFAP):c.883G>A, variant in GFAP is a missense variant predicited to cause a substitution of aspartic acid by asparagine at amino acid 295 (p.Asp295Asn). The GrpMax filtering allele frequency in gnomAD v4.1.1 is 0.14368 from the East Asian genetic ancestry group (the lower threshold of the 95% CI of 6579/44864 alleles), which is higher than the ClinGen Leukodystrophy and Leukoencephalopathy Expert Panel Specifications to the ACMG/AMP Variant Interpretation Guidelines for GFAP Version 1.0.0 threshold ≥ 0.01% for BA1, and therefore meets this criterion (BA1). In summary, this variant meets the criteria to be classified as benign based on the ACMG/AMP criteria applied, as specified by the ClinGen Leukodystrophy and Leukoencephalopathy VCEP: BA1 (ClinGen Leukodystrophy and Leukoencephalopathy VCEP Specifications Version 1.0.0).

Labcorp Genetics (formerly Invitae), Labcorp
Classification: Benign. Last evaluated: 2026-02-02. Review status: criteria provided, single submitter. Criteria: Invitae Variant Classification Sherloc (09022015). Collection method: clinical testing. Allele origin: germline. Not counted in ClinVar's aggregate classification.

Blueprint Genetics
Classification: Benign. Last evaluated: 2024-11-27. Review status: criteria provided, single submitter. Criteria: ACMG Guidelines, 2015. Collection method: clinical testing. Allele origin: germline. Not counted in ClinVar's aggregate classification.

Athena Diagnostics
Classification: Benign. Last evaluated: 2017-09-14. Review status: criteria provided, single submitter. Criteria: Athena Diagnostics Criteria. Collection method: clinical testing. Allele origin: germline. Not counted in ClinVar's aggregate classification.

GeneDx
Classification: Benign. Last evaluated: 2015-03-03. Review status: criteria provided, single submitter. Criteria: GeneDx Variant Classification Process June 2021. Collection method: clinical testing. Allele origin: germline. Affected: yes. Not counted in ClinVar's aggregate classification.

Breakthrough Genomics
Classification: Benign. Review status: criteria provided, single submitter. Criteria: ACMG Guidelines, 2015. Collection method: not provided. Allele origin: germline. Inheritance: Autosomal dominant inheritance. Affected: yes. Not counted in ClinVar's aggregate classification.

Mayo Clinic Laboratories, Mayo Clinic
Classification: Benign. Last evaluated: 2015-10-26. Review status: no assertion criteria provided. Collection method: clinical testing. Allele origin: unknown. Not counted in ClinVar's aggregate classification.

Epithelial Biology;  Institute of Medical Biology, Singapore
No classification provided. Review status: no classification provided. Collection method: not provided. Allele origin: not provided. Not counted in ClinVar's aggregate classification.